The following is an entry in ClinVar:

ClinVar aggregate classification (germline): Uncertain significance. Review status: criteria provided, multiple submitters, no conflicts (2 of 4 stars). 2 submissions from 2 submitters: Uncertain significance (2). Last evaluated 2023-12-13.

Conditions:
Familial thoracic aortic aneurysm and aortic dissection (TAAD). Also called: Thoracic aortic aneurysms and dissections. Identifiers: Orphanet 91387, MedGen C4707243, MONDO:0019625.

Allele frequency attached by ClinVar (database versions not stated): ExAC 0.00001; gnomAD 0.00001; gnomAD exomes 0.00001; TOPMed 0.00002.
gnomAD v4.1: 16 of 1,614,132 alleles (0.00099%); highest among the groups gnomAD compares: Admixed American, 0.02%; no homozygotes.

Submissions (2):

All of Us Research Program, National Institutes of Health
Classification: Uncertain significance for Familial thoracic aortic aneurysm and aortic dissection. Last evaluated: 2023-12-13. Review status: criteria provided, single submitter. Criteria: ACMG Guidelines, 2015. Collection method: clinical testing. Allele origin: germline. Inheritance: Autosomal dominant inheritance. Observed: 6 variant alleles, 6 heterozygotes.
Comment: This missense variant replaces lysine with glutamic acid at codon 1188 of the MYH11 protein. Computational prediction is inconclusive regarding the impact of this variant on protein structure and function (internally defined REVEL score threshold 0.5 < inconclusive < 0.7, PMID: 27666373). To our knowledge, functional studies have not been reported for this variant. This variant has not been reported in individuals affected with MYH11-related disorders in the literature. This variant has been identified in 10/251444 chromosomes in the general population by the Genome Aggregation Database (gnomAD). The available evidence is insufficient to determine the role of this variant in disease conclusively. Therefore, this variant is classified as a Variant of Uncertain Significance.

This study involves interpretation of variants in research participants for the purpose of population health screening. Participant phenotype was not available at the time of variant classification. Additional details can be found in publication PMID: 35346344, PMCID: PMC8962531

Ambry Genetics
Classification: Uncertain significance for Familial thoracic aortic aneurysm and aortic dissection. Last evaluated: 2021-09-07. Review status: criteria provided, single submitter. Criteria: Ambry Variant Classification Scheme 2023. Collection method: clinical testing. Allele origin: germline.
Comment: The p.K1181E variant (also known as c.3541A>G), located in coding exon 26 of the MYH11 gene, results from an A to G substitution at nucleotide position 3541. The lysine at codon 1181 is replaced by glutamic acid, an amino acid with similar properties. This amino acid position is conserved. In addition, the in silico prediction for this alteration is inconclusive. Since supporting evidence is limited at this time, the clinical significance of this alteration remains unclear.

NM_002474.3(MYH11):c.3541A>G (p.Lys1181Glu)

Gene: MYH11 (myosin heavy chain 11; minus strand). Cytogenetic location: 16p13.11.
Variant type: single nucleotide variant.
Coding change: c.3541A>G on transcript NM_002474.3 (MANE Select); coding-DNA position 3541, A replaced by G.
Protein change: p.Lys1181Glu; replaces lysine 1181 with glutamic acid.
Molecular consequence: missense variant.
Genome position (GRCh38, 1-based): chr16:15,732,674, T>C on the plus strand (A>G on the coding strand, the complement: MYH11 is on the minus strand). VCF-style: chr16-15732674-T-C. GRCh37 (hg19) VCF-style: chr16-15826531-T-C.
Other names: c.3562A>G, p.Lys1188Glu (NM_001040113.2, NM_001040114.2); c.3541A>G, p.Lys1181Glu (NM_022844.3); short protein forms K1188E, K1181E.
Identifiers: ClinVar variation 1732480 (VCV001732480.3), dbSNP rs764704892, ClinGen allele CA7921962.